The following is an entry in ClinVar:

NM_000548.5(TSC2):c.3622dup (p.Trp1208fs)

Gene: TSC2 (TSC complex subunit 2; plus strand). Cytogenetic location: 16p13.3.
Variant type: Duplication.
Coding change: c.3622dup on transcript NM_000548.5 (MANE Select); coding-DNA position 3622, one base duplicated (T; older notation c.3622dupT).
Protein change: p.Trp1208fs; shifts the reading frame from tryptophan 1208.
Molecular consequence: frameshift variant.
Genome position (GRCh38, 1-based): chr16:2,081,606, T duplicated. VCF-style (leftmost placement, unchanged base first): chr16-2081605-C-CT. GRCh37 (hg19) VCF-style: chr16-2131606-C-CT.
Other names: c.3490dup, p.Trp1164fs (NM_001077183.3, NM_001370404.1); c.3622dup, p.Trp1208fs (NM_001114382.3); c.3382dup, p.Trp1128fs (NM_001318827.2); c.3346dup, p.Trp1116fs (NM_001318829.2); c.2890dup, p.Trp964fs (NM_001318831.2); c.3523dup, p.Trp1175fs (NM_001318832.2); c.3493dup, p.Trp1165fs (NM_001363528.2, NM_001370405.1, NM_021055.3); c.3619dup, p.Trp1207Leufs (NM_001406663.1, NM_001406664.1); and 20 more; short protein forms W1175fs, W1208fs, W964fs, W1128fs, W1116fs, W1164fs, W1165fs.
Identifiers: ClinVar variation 2134856 (VCV002134856.4), dbSNP rs2544152864, ClinGen allele CA2580091010.

ClinVar aggregate classification (germline): Pathogenic (1 of 4 stars; one submission).

Conditions:
Tuberous sclerosis 2 (TSC2). Identifiers: Orphanet 805, MedGen C1860707, MONDO:0013199, OMIM 613254.

Submission:

Labcorp Genetics (formerly Invitae), Labcorp
Classification: Pathogenic for Tuberous sclerosis 2. Last evaluated: 2022-05-06. Review status: criteria provided, single submitter. Criteria: Invitae Variant Classification Sherloc (09022015). Collection method: clinical testing. Allele origin: germline.
Comment: For these reasons, this variant has been classified as Pathogenic. This variant has not been reported in the literature in individuals affected with TSC2-related conditions. This variant is not present in population databases (gnomAD no frequency). This sequence change creates a premature translational stop signal (p.Trp1208Leufs*26) in the TSC2 gene. It is expected to result in an absent or disrupted protein product. Loss-of-function variants in TSC2 are known to be pathogenic (PMID: 10205261, 17304050).

Literature cited by the submitters: PubMed 10205261; PubMed 17304050.